The following is an entry in ClinVar:

ClinVar aggregate classification (germline): Uncertain significance. Review status: criteria provided, multiple submitters, no conflicts (2 of 4 stars). 6 submissions from 6 submitters: Uncertain significance (6). Last evaluated 2025-09-01.

Conditions:
Juvenile myelomonocytic leukemia (JMML). Also called: LEUKEMIA, JUVENILE MYELOMONOCYTIC, SOMATIC. Identifiers: Orphanet 86834, MedGen C0349639, MONDO:0011908, OMIM 607785, HP:0012209.
Neurofibromatosis, type 1 (NF1). Also called: Peripheral type neurofibromatosis; Neurofibromatosis, type I; VON RECKLINGHAUSEN DISEASE; NEUROFIBROMATOSIS, TYPE I, SOMATIC. Identifiers: Orphanet 636, MedGen C0027831, MONDO:0018975, OMIM 162200. Disease mechanism: loss of function.
Hereditary cancer-predisposing syndrome. Also called: Neoplastic Syndromes, Hereditary; Hereditary Cancer Syndrome; Tumor predisposition; Hereditary neoplastic syndrome. Identifiers: Orphanet 140162, MedGen C0027672, MeSH D009386, MONDO:0015356.
Cardiovascular phenotype. Identifiers: MedGen CN230736.

Allele frequency attached by ClinVar (database versions not stated): TOPMed below 0.00001.

Submissions (6):

Ambry Genetics
Classification: Uncertain significance for Cardiovascular phenotype; Hereditary cancer-predisposing syndrome. Last evaluated: 2025-09-01. Review status: criteria provided, single submitter. Criteria: Ambry Variant Classification Scheme 2023. Collection method: clinical testing. Allele origin: germline.
Comment: The p.K2593N variant (also known as c.7779G>T), located in coding exon 52 of the NF1 gene, results from a G to T substitution at nucleotide position 7779. The lysine at codon 2593 is replaced by asparagine, an amino acid with similar properties. This amino acid position is highly conserved in available vertebrate species. In addition, this alteration is predicted to be tolerated by in silico analysis. Since supporting evidence is limited at this time, the clinical significance of this alteration remains unclear.

Labcorp Genetics (formerly Invitae), Labcorp
Classification: Uncertain significance for Neurofibromatosis, type 1. Last evaluated: 2025-03-19. Review status: criteria provided, single submitter. Criteria: Invitae Variant Classification Sherloc (09022015). Collection method: clinical testing. Allele origin: germline.
Comment: This sequence change replaces lysine, which is basic and polar, with asparagine, which is neutral and polar, at codon 2593 of the NF1 protein (p.Lys2593Asn). This variant is not present in population databases (gnomAD no frequency). This variant has not been reported in the literature in individuals affected with NF1-related conditions. ClinVar contains an entry for this variant (Variation ID: 527545). Invitae Evidence Modeling of protein sequence and biophysical properties (such as structural, functional, and spatial information, amino acid conservation, physicochemical variation, residue mobility, and thermodynamic stability) indicates that this missense variant is not expected to disrupt NF1 protein function with a negative predictive value of 95%. In summary, the available evidence is currently insufficient to determine the role of this variant in disease. Therefore, it has been classified as a Variant of Uncertain Significance.

Baylor Genetics
Classification: Uncertain significance for Juvenile myelomonocytic leukemia. Last evaluated: 2024-03-15. Review status: criteria provided, single submitter. Criteria: ACMG Guidelines, 2015. Collection method: clinical testing. Allele origin: unknown.

GeneDx
Classification: Uncertain significance. Last evaluated: 2023-12-20. Review status: criteria provided, single submitter. Criteria: GeneDx Variant Classification Process June 2021. Collection method: clinical testing. Allele origin: germline.
Comment: Not observed at significant frequency in large population cohorts (gnomAD); In silico analysis supports that this missense variant does not alter protein structure/function; Has not been previously published as pathogenic or benign to our knowledge; This variant is associated with the following publications: (PMID: 25486365)

Women's Health and Genetics/Laboratory Corporation of America, LabCorp
Classification: Uncertain significance. Last evaluated: 2022-05-03. Review status: criteria provided, single submitter. Criteria: LabCorp Variant Classification Summary - May 2015. Collection method: clinical testing. Allele origin: germline.

Genome-Nilou Lab
Classification: Uncertain significance for Neurofibromatosis, type 1. Last evaluated: 2022-03-15. Review status: criteria provided, single submitter. Criteria: ACMG Guidelines, 2015. Collection method: clinical testing. Allele origin: germline. Affected: no.

NM_001042492.3(NF1):c.7842G>T (p.Lys2614Asn)

Gene: NF1 (neurofibromin 1; plus strand). Cytogenetic location: 17q11.2.
Variant type: single nucleotide variant.
Coding change: c.7842G>T on transcript NM_001042492.3 (MANE Select); coding-DNA position 7842, G replaced by T.
Protein change: p.Lys2614Asn; replaces lysine 2614 with asparagine.
Molecular consequence: missense variant.
Genome position (GRCh38, 1-based): chr17:31,357,063, G>T. VCF-style: chr17-31357063-G-T. GRCh37 (hg19) VCF-style: chr17-29684081-G-T.
Other names: c.7779G>T, p.Lys2593Asn (NM_000267.4); short protein forms K2614N, K2593N.
Identifiers: ClinVar variation 527545 (VCV000527545.13), dbSNP rs1555536710, ClinGen allele CA399018640.